The following is an entry in ClinVar:

ClinVar aggregate classification (germline): Uncertain significance (1 of 4 stars; one submission).

Submission:

Labcorp Genetics (formerly Invitae), Labcorp
Classification: Uncertain significance. Last evaluated: 2022-07-06. Review status: criteria provided, single submitter. Criteria: Invitae Variant Classification Sherloc (09022015). Collection method: clinical testing. Allele origin: germline.
Comment: In summary, the available evidence is currently insufficient to determine the role of this variant in disease. Therefore, it has been classified as a Variant of Uncertain Significance. Advanced modeling of protein sequence and biophysical properties (such as structural, functional, and spatial information, amino acid conservation, physicochemical variation, residue mobility, and thermodynamic stability) performed at Invitae indicates that this missense variant is not expected to disrupt TWNK protein function. ClinVar contains an entry for this variant (Variation ID: 1481033). This variant has not been reported in the literature in individuals affected with TWNK-related conditions. This variant is not present in population databases (gnomAD no frequency). This sequence change replaces arginine, which is basic and polar, with leucine, which is neutral and non-polar, at codon 256 of the TWNK protein (p.Arg256Leu).

NM_021830.5(TWNK):c.767G>T (p.Arg256Leu)

Gene: TWNK (twinkle mtDNA helicase; plus strand). Cytogenetic location: 10q24.31.
Variant type: single nucleotide variant.
Coding change: c.767G>T on transcript NM_021830.5 (MANE Select); coding-DNA position 767, G replaced by T.
Protein change: p.Arg256Leu; replaces arginine 256 with leucine.
Molecular consequence: missense variant. On other transcripts: non-coding transcript variant (4), intron variant (3).
Genome position (GRCh38, 1-based): chr10:100,988,977, G>T. VCF-style: chr10-100988977-G-T. GRCh37 (hg19) VCF-style: chr10-102748734-G-T.
Other names: c.767G>T, p.Arg256Leu (NM_001163812.2); c.-119-667G>T (NM_001163814.2, NM_001163813.2); c.-57-729G>T (NM_001368275.1); short protein forms R256L.
Identifiers: ClinVar variation 1481033 (VCV001481033.8), dbSNP rs1851677492, ClinGen allele CA378208405.